The following is an entry in ClinVar:

ClinVar aggregate classification (germline): Uncertain significance. Review status: criteria provided, multiple submitters, no conflicts (2 of 4 stars). 2 submissions from 2 submitters: Uncertain significance (2). Last evaluated 2026-04-25.

Conditions:
EGFR-related lung cancer (EGFR). Identifiers: MedGen CN130014.
Hereditary cancer-predisposing syndrome. Also called: Tumor predisposition; Neoplastic Syndromes, Hereditary; Hereditary Cancer Syndrome; Hereditary neoplastic syndrome. Identifiers: Orphanet 140162, MedGen C0027672, MeSH D009386, MONDO:0015356.

Submissions (2):

Ambry Genetics
Classification: Uncertain significance for Hereditary cancer-predisposing syndrome. Last evaluated: 2026-04-25. Review status: criteria provided, single submitter. Criteria: Ambry Variant Classification Scheme 2023. Collection method: clinical testing. Allele origin: germline.
Comment: The p.E804Q variant (also known as c.2410G>C), located in coding exon 20 of the EGFR gene, results from a G to C substitution at nucleotide position 2410. The glutamic acid at codon 804 is replaced by glutamine, an amino acid with highly similar properties. This amino acid position is conserved. In addition, the in silico prediction for this alteration is inconclusive. Based on the available evidence, the clinical significance of this variant remains unclear.

Labcorp Genetics (formerly Invitae), Labcorp
Classification: Uncertain significance for EGFR-related lung cancer. Last evaluated: 2023-04-21. Review status: criteria provided, single submitter. Criteria: Invitae Variant Classification Sherloc (09022015). Collection method: clinical testing. Allele origin: germline.
Comment: This variant has not been reported in the literature in individuals affected with EGFR-related conditions. In summary, the available evidence is currently insufficient to determine the role of this variant in disease. Therefore, it has been classified as a Variant of Uncertain Significance. Advanced modeling of protein sequence and biophysical properties (such as structural, functional, and spatial information, amino acid conservation, physicochemical variation, residue mobility, and thermodynamic stability) performed at Invitae indicates that this missense variant is not expected to disrupt EGFR protein function. ClinVar contains an entry for this variant (Variation ID: 1519666). This variant is not present in population databases (gnomAD no frequency). This sequence change replaces glutamic acid, which is acidic and polar, with glutamine, which is neutral and polar, at codon 804 of the EGFR protein (p.Glu804Gln).

NM_005228.5(EGFR):c.2410G>C (p.Glu804Gln)

Genes: EGFR (epidermal growth factor receptor; plus strand), EGFR-AS1 (EGFR antisense RNA 1; minus strand). Cytogenetic location: 7p11.2.
Variant type: single nucleotide variant.
Coding change: c.2410G>C on transcript NM_005228.5 (MANE Select); coding-DNA position 2410, G replaced by C.
Protein change: p.Glu804Gln; replaces glutamic acid 804 with glutamine.
Molecular consequence: missense variant. On other transcripts: non-coding transcript variant (1).
Genome position (GRCh38, 1-based): chr7:55,181,419, G>C. VCF-style: chr7-55181419-G-C. GRCh37 (hg19) VCF-style: chr7-55249112-G-C.
Other names: c.2410G>C (NM_005228.3); c.2275G>C, p.Glu759Gln (NM_001346897.2, NM_001346899.2); c.2410G>C, p.Glu804Gln (NM_001346898.2); c.2251G>C, p.Glu751Gln (NM_001346900.2); c.1609G>C, p.Glu537Gln (NM_001346941.2); short protein forms E751Q, E537Q, E804Q, E759Q.
Identifiers: ClinVar variation 1519666 (VCV001519666.7), dbSNP rs552733360, ClinGen allele CA367578937.